The following is an entry in ClinVar:

NM_000551.4(VHL):c.357C>T (p.Phe119=)

Genes: VHL (von Hippel-Lindau tumor suppressor; plus strand), LOC107303340 (3p25 von Hippel-Lindau tumor suppressor, E3 ubiquitin protein ligase Alu-mediated recombination region; plus strand). Cytogenetic location: 3p25.3.
Variant type: single nucleotide variant.
Coding change: c.357C>T on transcript NM_000551.4 (MANE Select); coding-DNA position 357, C replaced by T.
Protein change: p.Phe119=; no amino-acid change (phenylalanine 119 retained).
Molecular consequence: synonymous variant. On other transcripts: intron variant (2).
Genome position (GRCh38, 1-based): chr3:10,146,530, C>T. VCF-style: chr3-10146530-C-T. GRCh37 (hg19) VCF-style: chr3-10188214-C-T.
Other names: c.357C>T (NM_000551.3); c.*18-3257C>T (NM_001354723.2); c.341-3257C>T (NM_198156.3).
Identifiers: ClinVar variation 1106045 (VCV001106045.12), dbSNP rs1559428077, ClinGen allele CA432421796.

ClinVar aggregate classification (germline): Conflicting classifications of pathogenicity. Review status: criteria provided, conflicting classifications (1 of 4 stars). 3 submissions from 3 submitters: Uncertain significance (2); Likely benign (1). Last evaluated 2026-07-10.

Conditions:
Chuvash polycythemia. Also called: POLYCYTHEMIA, VHL-DEPENDENT. Identifiers: Orphanet 238557, MedGen C1837915, MONDO:0009892, OMIM 263400.
Von Hippel-Lindau syndrome (VHLS). Also called: von Hippel–Lindau syndrome; VHL syndrome; Von Hippel-Lindau. Identifiers: Orphanet 892, MedGen C0019562, MONDO:0008667, OMIM 193300. Disease mechanism: loss of function.
Hereditary cancer-predisposing syndrome. Also called: Neoplastic Syndromes, Hereditary; Tumor predisposition; Hereditary Cancer Syndrome; Hereditary neoplastic syndrome. Identifiers: Orphanet 140162, MedGen C0027672, MeSH D009386, MONDO:0015356.

Submissions (3):

Ambry Genetics
Classification: Uncertain significance for Hereditary cancer-predisposing syndrome. Last evaluated: 2026-07-10. Review status: criteria provided, single submitter. Criteria: Ambry Variant Classification Scheme 2023. Collection method: clinical testing. Allele origin: germline.
Comment: The c.357C>T variant (also known as p.F119F), located in coding exon 2 of the VHL gene, results from a C to T substitution at nucleotide position 357. This nucleotide substitution does not change the amino acid at codon 119. This variant was reported in individual(s) with features consistent with von Hippel-Lindau syndrome including pheochromocytoma but no other VHL-associated tumors (Ambry internal data). This nucleotide position is highly conserved in available vertebrate species. In silico splice site analysis predicts that this alteration may weaken the native splice acceptor site. RNA studies have demonstrated that this variant results in an incomplete splice defect; the clinical impact of this abnormal splicing is unknown at this time (Ambry internal data). Based on the available evidence, the clinical significance of this variant remains unclear.

Myriad Genetics, Inc.
Classification: Uncertain significance for Von Hippel-Lindau syndrome. Last evaluated: 2024-09-26. Review status: criteria provided, single submitter. Criteria: Myriad Autosomal Dominant, Autosomal Recessive and X-Linked Classification Criteria (2023). Collection method: clinical testing. Allele origin: unknown.
Comment: This variant is classified as a variant of uncertain significance as there is insufficient evidence to determine its impact on protein function and/or cancer risk.

Labcorp Genetics (formerly Invitae), Labcorp
Classification: Likely benign for Von Hippel-Lindau syndrome; Chuvash polycythemia. Last evaluated: 2023-11-29. Review status: criteria provided, single submitter. Criteria: Invitae Variant Classification Sherloc (09022015). Collection method: clinical testing. Allele origin: germline.